The following is an entry in ClinVar:

NM_001394531.1(WDFY4):c.5220C>G (p.Ser1740Arg)

Gene: WDFY4 (WDFY family member 4; plus strand). Cytogenetic location: 10q11.23.
Variant type: single nucleotide variant.
Coding change: c.5220C>G on transcript NM_001394531.1 (MANE Select); coding-DNA position 5220, C replaced by G.
Protein change: p.Ser1740Arg; replaces serine 1740 with arginine.
Molecular consequence: missense variant.
Genome position (GRCh38, 1-based): chr10:48,813,962, C>G. VCF-style: chr10-48813962-C-G. GRCh37 (hg19) VCF-style: chr10-50022007-C-G.
Other names: c.5220C>G, p.Ser1740Arg (NM_020945.2); short protein forms S1740R.
Identifiers: ClinVar variation 2356117 (VCV002356117.4), dbSNP rs564449117, ClinGen allele CA5492354.

ClinVar aggregate classification (germline): Uncertain significance. Review status: criteria provided, single submitter (1 of 4 stars). 2 submissions from 2 submitters: Uncertain significance (1). 1 of the submissions does not count toward it. Last evaluated 2021-10-22.

Conditions:
WDFY4-related disorder. Also called: WDFY4-related condition.

Allele frequency attached by ClinVar (database versions not stated): 1000 Genomes Project 30x 0.00031; ExAC 0.00032; 1000 Genomes Project 0.00040; TOPMed 0.00062.
gnomAD v4.1: 153 of 1,546,528 alleles (0.0099%); highest among the groups gnomAD compares: African/African-American, 0.19%; no homozygotes.

Submissions (2):

Ambry Genetics
Classification: Uncertain significance. Last evaluated: 2021-10-22. Review status: criteria provided, single submitter. Criteria: Ambry Variant Classification Scheme 2023. Collection method: clinical testing. Allele origin: germline.

PreventionGenetics, part of Exact Sciences
Classification: Likely benign for WDFY4-related condition. Last evaluated: 2022-08-02. Review status: no assertion criteria provided. Collection method: clinical testing. Allele origin: germline. Not counted in ClinVar's aggregate classification.
Comment: This variant is classified as likely benign based on ACMG/AMP sequence variant interpretation guidelines (Richards et al. 2015 PMID: 25741868, with internal and published modifications).